The following is an entry in ClinVar:

NM_018896.5(CACNA1G):c.975G>A (p.Ala325=)

Gene: CACNA1G (calcium voltage-gated channel subunit alpha1 G; plus strand). Cytogenetic location: 17q21.33.
Variant type: single nucleotide variant.
Coding change: c.975G>A on transcript NM_018896.5 (MANE Select); coding-DNA position 975, G replaced by A.
Protein change: p.Ala325=; no amino-acid change (alanine 325 retained).
Molecular consequence: synonymous variant. On other transcripts: non-coding transcript variant (5).
Genome position (GRCh38, 1-based): chr17:50,572,782, G>A. VCF-style: chr17-50572782-G-A. GRCh37 (hg19) VCF-style: chr17-48650143-G-A.
Other names: p.Ala325=; c.975G>A, p.Ala325= (NM_001256324.2, NM_001256325.2, NM_001256326.2 and 24 more transcripts).
Identifiers: ClinVar variation 789659 (VCV000789659.12), dbSNP rs57260523, ClinGen allele CA8652069.

ClinVar aggregate classification (germline): Benign/Likely benign. Review status: criteria provided, multiple submitters, no conflicts (2 of 4 stars). 4 submissions from 4 submitters: Benign (2); Likely benign (2). Last evaluated 2025-08-07.

Allele frequency attached by ClinVar (database versions not stated): gnomAD exomes 0.00072 and 0.00173; ExAC 0.00213; gnomAD 0.00539 and 0.00558; ESP Exome Variant Server 0.00556; TOPMed 0.00584; 1000 Genomes Project 0.00899; 1000 Genomes Project 30x 0.00921.
gnomAD v4.1: 1,879 of 1,613,966 alleles (0.12%); highest among the groups gnomAD compares: African/African-American, 1.9%; 10 homozygotes.

Submissions (4):

Mayo Clinic Laboratories, Mayo Clinic
Classification: Benign. Last evaluated: 2025-08-07. Review status: criteria provided, single submitter. Criteria: ACMG Guidelines, 2015. Collection method: clinical testing. Allele origin: germline. Observed: 1 variant allele.
Comment: BA1

Labcorp Genetics (formerly Invitae), Labcorp
Classification: Benign. Last evaluated: 2025-04-15. Review status: criteria provided, single submitter. Criteria: Invitae Variant Classification Sherloc (09022015). Collection method: clinical testing. Allele origin: germline.

GeneDx
Classification: Likely benign. Last evaluated: 2021-05-22. Review status: criteria provided, single submitter. Criteria: GeneDx Variant Classification Process June 2021. Collection method: clinical testing. Allele origin: germline. Affected: yes.

Breakthrough Genomics
Classification: Likely benign. Review status: criteria provided, single submitter. Criteria: ACMG Guidelines, 2015. Collection method: not provided. Allele origin: germline. Inheritance: Autosomal dominant inheritance. Affected: yes.